The following is an entry in ClinVar:

ClinVar aggregate classification (germline): Uncertain significance (1 of 4 stars; one submission).

Allele frequency attached by ClinVar (database versions not stated): gnomAD exomes below 0.00001; TOPMed below 0.00001; ExAC 0.00001; gnomAD 0.00001.
gnomAD v4.1: 5 of 1,614,080 alleles (0.00031%); highest among the groups gnomAD compares: Admixed American, 0.0017%; no homozygotes.

Submission:

Labcorp Genetics (formerly Invitae), Labcorp
Classification: Uncertain significance. Last evaluated: 2024-01-08. Review status: criteria provided, single submitter. Criteria: Invitae Variant Classification Sherloc (09022015). Collection method: clinical testing. Allele origin: germline.
Comment: This sequence change replaces glutamic acid, which is acidic and polar, with glutamine, which is neutral and polar, at codon 28 of the NDUFB9 protein (p.Glu28Gln). This variant is present in population databases (rs755752997, gnomAD 0.003%). This variant has not been reported in the literature in individuals affected with NDUFB9-related conditions. An algorithm developed to predict the effect of missense changes on protein structure and function (PolyPhen-2) suggests that this variant is likely to be disruptive. In summary, the available evidence is currently insufficient to determine the role of this variant in disease. Therefore, it has been classified as a Variant of Uncertain Significance.

NM_005005.3(NDUFB9):c.82G>C (p.Glu28Gln)

Gene: NDUFB9 (NADH:ubiquinone oxidoreductase subunit B9; plus strand). Cytogenetic location: 8q24.13.
Variant type: single nucleotide variant.
Coding change: c.82G>C on transcript NM_005005.3 (MANE Select); coding-DNA position 82, G replaced by C.
Protein change: p.Glu28Gln; replaces glutamic acid 28 with glutamine.
Molecular consequence: missense variant. On other transcripts: 5 prime UTR variant (2).
Genome position (GRCh38, 1-based): chr8:124,539,268, G>C. VCF-style: chr8-124539268-G-C. GRCh37 (hg19) VCF-style: chr8-125551509-G-C.
Other names: c.-52G>C (NM_001278645.2); c.-46G>C (NM_001278646.2); c.82G>C, p.Glu28Gln (NM_001311168.2); short protein forms E28Q.
Identifiers: ClinVar variation 2965079 (VCV002965079.3), dbSNP rs755752997, ClinGen allele CA4871450.
Genomic context (GRCh38, chr8:124,539,268, plus strand): 5'-CCCTACCTGACCCATCAGCAAAAGGTGTTGCGGCTTTATAAGCGGGCGCTACGCCACCTC[G>C]AGTCGTGGTGCGTCCAGAGGTAAGGGATGGGGACCCAGGACTCGGGGAGGTGACCCTCGG-3'
Protein context (NP_004996.1, residues 18-38): RLYKRALRHL[Glu28Gln]SWCVQRDKYR